The following is an entry in ClinVar:

NM_001845.6(COL4A1):c.3034T>A (p.Ser1012Thr)

Gene: COL4A1 (collagen type IV alpha 1 chain; minus strand). Cytogenetic location: 13q34.
Variant type: single nucleotide variant.
Coding change: c.3034T>A on transcript NM_001845.6 (MANE Select); coding-DNA position 3034, T replaced by A.
Protein change: p.Ser1012Thr; replaces serine 1012 with threonine.
Molecular consequence: missense variant.
Genome position (GRCh38, 1-based): chr13:110,176,448, A>T on the plus strand (T>A on the coding strand, the complement: COL4A1 is on the minus strand). VCF-style: chr13-110176448-A-T. GRCh37 (hg19) VCF-style: chr13-110828795-A-T.
Other names: short protein forms S1012T.
Identifiers: ClinVar variation 4806604 (VCV004806604.1).

ClinVar aggregate classification (germline): Uncertain significance (1 of 4 stars; one submission).

Submission:

Labcorp Genetics (formerly Invitae), Labcorp
Classification: Uncertain significance. Last evaluated: 2025-04-22. Review status: criteria provided, single submitter. Criteria: Invitae Variant Classification Sherloc (09022015). Collection method: clinical testing. Allele origin: germline.
Comment: This sequence change replaces serine, which is neutral and polar, with threonine, which is neutral and polar, at codon 1012 of the COL4A1 protein (p.Ser1012Thr). This variant is not present in population databases (gnomAD no frequency). This variant has not been reported in the literature in individuals affected with COL4A1-related conditions. Invitae Evidence Modeling of protein sequence and biophysical properties (such as structural, functional, and spatial information, amino acid conservation, physicochemical variation, residue mobility, and thermodynamic stability) indicates that this missense variant is not expected to disrupt COL4A1 protein function with a negative predictive value of 95%. In summary, the available evidence is currently insufficient to determine the role of this variant in disease. Therefore, it has been classified as a Variant of Uncertain Significance.